The following is an entry in ClinVar:

ClinVar aggregate classification (germline): Uncertain significance. Review status: criteria provided, multiple submitters, no conflicts (2 of 4 stars). 2 submissions from 2 submitters: Uncertain significance (2). Last evaluated 2025-03-26.

Conditions:
Tuberous sclerosis 2 (TSC2). Identifiers: Orphanet 805, MedGen C1860707, MONDO:0013199, OMIM 613254.
Hereditary cancer-predisposing syndrome. Also called: Hereditary Cancer Syndrome; Tumor predisposition; Neoplastic Syndromes, Hereditary; Hereditary neoplastic syndrome. Identifiers: Orphanet 140162, MedGen C0027672, MeSH D009386, MONDO:0015356.

Submissions (2):

Labcorp Genetics (formerly Invitae), Labcorp
Classification: Uncertain significance for Tuberous sclerosis 2. Last evaluated: 2025-03-26. Review status: criteria provided, single submitter. Criteria: Invitae Variant Classification Sherloc (09022015). Collection method: clinical testing. Allele origin: germline.
Comment: This sequence change replaces alanine, which is neutral and non-polar, with threonine, which is neutral and polar, at codon 1722 of the TSC2 protein (p.Ala1722Thr). This variant is not present in population databases (gnomAD no frequency). This variant has not been reported in the literature in individuals affected with TSC2-related conditions. ClinVar contains an entry for this variant (Variation ID: 652844). Invitae Evidence Modeling of protein sequence and biophysical properties (such as structural, functional, and spatial information, amino acid conservation, physicochemical variation, residue mobility, and thermodynamic stability) has been performed for this missense variant. However, the output from this modeling did not meet the statistical confidence thresholds required to predict the impact of this variant on TSC2 protein function. In summary, the available evidence is currently insufficient to determine the role of this variant in disease. Therefore, it has been classified as a Variant of Uncertain Significance.

Ambry Genetics
Classification: Uncertain significance for Hereditary cancer-predisposing syndrome. Last evaluated: 2024-08-26. Review status: criteria provided, single submitter. Criteria: Ambry Variant Classification Scheme 2023. Collection method: clinical testing. Allele origin: germline.
Comment: The p.A1722T variant (also known as c.5164G>A), located in coding exon 40 of the TSC2 gene, results from a G to A substitution at nucleotide position 5164. The alanine at codon 1722 is replaced by threonine, an amino acid with similar properties. This amino acid position is conserved. In addition, this alteration is predicted to be deleterious by in silico analysis. Based on the available evidence, the clinical significance of this variant remains unclear.

NM_000548.5(TSC2):c.5164G>A (p.Ala1722Thr)

Gene: TSC2 (TSC complex subunit 2; plus strand). Cytogenetic location: 16p13.3.
Variant type: single nucleotide variant.
Coding change: c.5164G>A on transcript NM_000548.5 (MANE Select); coding-DNA position 5164, G replaced by A.
Protein change: p.Ala1722Thr; replaces alanine 1722 with threonine.
Molecular consequence: missense variant. On other transcripts: intron variant (1).
Genome position (GRCh38, 1-based): chr16:2,088,230, G>A. VCF-style: chr16-2088230-G-A. GRCh37 (hg19) VCF-style: chr16-2138231-G-A.
Other names: c.4963G>A, p.Ala1655Thr (NM_001077183.3); c.5095G>A, p.Ala1699Thr (NM_001114382.3); c.4855G>A, p.Ala1619Thr (NM_001318827.2); c.4819G>A, p.Ala1607Thr (NM_001318829.2); c.4432G>A, p.Ala1478Thr (NM_001318831.2); c.4996G>A, p.Ala1666Thr (NM_001318832.2); c.4966G>A, p.Ala1656Thr (NM_001363528.2); c.5032G>A, p.Ala1678Thr (NM_001370404.1); and 2 more; short protein forms A1656T, A1666T, A1679T, A1699T, A1478T, A1655T, A1678T, A1607T.
Identifiers: ClinVar variation 652844 (VCV000652844.9), dbSNP rs397515270, ClinGen allele CA394313849.